The following is an entry in ClinVar:

NM_178335.3(CCDC50):c.448+5C>G

Gene: CCDC50 (coiled-coil domain containing 50; plus strand). Cytogenetic location: 3q28.
Variant type: single nucleotide variant.
Coding change: c.448+5C>G on transcript NM_178335.3 (MANE Select); 5 bases into the intron after coding-DNA position 448, C replaced by G.
Molecular consequence: intron variant.
Genome position (GRCh38, 1-based): chr3:191,370,041, C>G. VCF-style: chr3-191370041-C-G. GRCh37 (hg19) VCF-style: chr3-191087830-C-G.
Other names: c.448+5C>G (NM_174908.4).
Identifiers: ClinVar variation 3032560 (VCV003032560.3), dbSNP rs1036708407, ClinGen allele CA89777792.

ClinVar aggregate classification (germline): Uncertain significance (1 of 4 stars; one submission).

Conditions:
CCDC50-related disorder. Also called: CCDC50-related condition.

gnomAD v4.1: 9 of 1,521,870 alleles (0.00059%); highest among the groups gnomAD compares: Admixed American, 0.0017%; no homozygotes.

Submission:

PreventionGenetics, part of Exact Sciences
Classification: Uncertain significance for CCDC50-related condition. Last evaluated: 2026-03-09. Review status: criteria provided, single submitter. Criteria: ACMG Guidelines, 2015. Collection method: clinical testing. Allele origin: germline.
Comment: The CCDC50 c.448+5C>G variant is predicted to interfere with splicing. This variant is not predicted to interfere with splicing based on available splicing prediction programs (SpliceAI, Jaganathan et al. 2019. PubMed ID: 30661751); however, the +5 position is part of the minimal donor splice region which is clinically relevant (Lord et al. 2019. PubMed ID: 30587507; Walker et al. 2023. PubMed ID: 37352859). To our knowledge, this variant has not been reported in the literature. This variant is reported in 0.0029% of alleles in individuals of Latino descent in gnomAD. At this time, the clinical significance of this variant is uncertain due to the absence of conclusive functional and genetic evidence.